The following is an entry in ClinVar:

NM_005359.6(SMAD4):c.-11A>C

Gene: SMAD4 (SMAD family member 4; plus strand). Cytogenetic location: 18q21.2.
Variant type: single nucleotide variant.
Coding change: c.-11A>C on transcript NM_005359.6 (MANE Select); 11 bases upstream of the start codon, A replaced by C.
Molecular consequence: 5 prime UTR variant.
Genome position (GRCh38, 1-based): chr18:51,047,036, A>C. VCF-style: chr18-51047036-A-C. GRCh37 (hg19) VCF-style: chr18-48573406-A-C.
Identifiers: ClinVar variation 385850 (VCV000385850.1), dbSNP rs1057522345, ClinGen allele CA16607983.
Genomic context (GRCh38, chr18:51,047,036, plus strand): 5'-CTGTTTCCAAAGGATCAAAATTGCTTCAGAAATTGGAGACATATTTGATTTAAAAGGAAA[A>C]ACTTGAACAAATGGACAATATGTCTATTACGAATACACCAACAAGTAATGATGCCTGTCT-3'

ClinVar aggregate classification (germline): Likely benign (1 of 4 stars; one submission).

Submission:

GeneDx
Classification: Likely benign. Last evaluated: 2016-04-27. Review status: criteria provided, single submitter. Criteria: GeneDx Variant Classification (06012015). Collection method: clinical testing. Allele origin: germline. Affected: yes.
Comment: This variant is considered likely benign or benign based on one or more of the following criteria: it is a conservative change, it occurs at a poorly conserved position in the protein, it is predicted to be benign by multiple in silico algorithms, and/or has population frequency not consistent with disease.